The following is an entry in ClinVar:

ClinVar aggregate classification (germline): Conflicting classifications of pathogenicity. Review status: criteria provided, conflicting classifications (1 of 4 stars). 4 submissions from 4 submitters: Uncertain significance (1); Likely benign (2). 1 of the submissions does not count toward it. Last evaluated 2026-01-23.

Conditions:
IRAK4-related disorder. Also called: IRAK4-related condition.
Immunodeficiency 67. Also called: Immunodeficiency due to interleukin-1 receptor-associated kinase-4 deficiency. Identifiers: Orphanet 70592, MedGen C1843256, MONDO:0011888, OMIM 607676.

Allele frequency attached by ClinVar (database versions not stated): 1000 Genomes Project 0.00040; gnomAD exomes 0.00044 and 0.00086; ExAC 0.00059; 1000 Genomes Project 30x 0.00094; gnomAD 0.00109; TOPMed 0.00125.
gnomAD v4.1: 812 of 1,607,674 alleles (0.051%); highest among the groups gnomAD compares: Admixed American, 0.56%; 3 homozygotes.

Submissions (4):

Labcorp Genetics (formerly Invitae), Labcorp
Classification: Likely benign for Immunodeficiency 67. Last evaluated: 2026-01-23. Review status: criteria provided, single submitter. Criteria: Invitae Variant Classification Sherloc (09022015). Collection method: clinical testing. Allele origin: germline.

Blueprint Genetics
Classification: Uncertain significance. Last evaluated: 2024-03-16. Review status: criteria provided, single submitter. Criteria: ACMG Guidelines, 2015. Collection method: clinical testing. Allele origin: germline.

Breakthrough Genomics
Classification: Likely benign. Review status: criteria provided, single submitter. Criteria: ACMG Guidelines, 2015. Collection method: not provided. Allele origin: germline. Inheritance: Autosomal recessive inheritance. Affected: yes.

PreventionGenetics, part of Exact Sciences
Classification: Likely benign for IRAK4-related condition. Last evaluated: 2023-11-03. Review status: no assertion criteria provided. Collection method: clinical testing. Allele origin: germline. Not counted in ClinVar's aggregate classification.
Comment: This variant is classified as likely benign based on ACMG/AMP sequence variant interpretation guidelines (Richards et al. 2015 PMID: 25741868, with internal and published modifications).

NM_016123.4(IRAK4):c.1169A>G (p.His390Arg)

Gene: IRAK4 (interleukin 1 receptor associated kinase 4; plus strand). Cytogenetic location: 12q12.
Variant type: single nucleotide variant.
Coding change: c.1169A>G on transcript NM_016123.4 (MANE Select); coding-DNA position 1169, A replaced by G.
Protein change: p.His390Arg; replaces histidine 390 with arginine.
Molecular consequence: missense variant.
Genome position (GRCh38, 1-based): chr12:43,783,705, A>G. VCF-style: chr12-43783705-A-G. GRCh37 (hg19) VCF-style: chr12-44177508-A-G.
Other names: c.1169A>G, p.His390Arg (NM_001114182.3, NM_001351345.2); c.797A>G, p.His266Arg (NM_001145256.2, NM_001145257.2, NM_001145258.2 and 5 more transcripts); c.560A>G, p.His187Arg (NM_001351343.2, NM_001351344.2); short protein forms H390R, H266R, H187R.
Identifiers: ClinVar variation 721188 (VCV000721188.15), dbSNP rs4251583, ClinGen allele CA6522600.
Genomic context (GRCh38, chr12:43,783,705, plus strand): 5'-TTTTTTTGTCTTCATAGGTTTTACTAGAAATAATAACTGGACTTCCAGCTGTGGATGAAC[A>G]CCGTGAACCTCAGTTATTGGTAAATGAAATATTCATTTTCCTCAATCCTTTTTTCTCTGC-3'
Protein context (NP_057207.2, residues 380-400): IITGLPAVDE[His390Arg]REPQLLLDIK